The following is an entry in ClinVar:

NM_018255.4(ELP2):c.1337T>C (p.Met446Thr)

Gene: ELP2 (elongator acetyltransferase complex subunit 2; plus strand). Cytogenetic location: 18q12.2.
Variant type: single nucleotide variant.
Coding change: c.1337T>C on transcript NM_018255.4 (MANE Select); coding-DNA position 1337, T replaced by C.
Protein change: p.Met446Thr; replaces methionine 446 with threonine.
Molecular consequence: missense variant. On other transcripts: non-coding transcript variant (4).
Genome position (GRCh38, 1-based): chr18:36,156,527, T>C. VCF-style: chr18-36156527-T-C. GRCh37 (hg19) VCF-style: chr18-33736490-T-C.
Other names: c.1532T>C, p.Met511Thr (NM_001242875.3); c.1322T>C, p.Met441Thr (NM_001242876.3); c.1259T>C, p.Met420Thr (NM_001242877.3); c.1127T>C, p.Met376Thr (NM_001242878.3, NM_001242879.3); c.1205T>C, p.Met402Thr (NM_001324465.2); c.1454T>C, p.Met485Thr (NM_001324466.2); c.1187T>C, p.Met396Thr (NM_001324467.2); c.890T>C, p.Met297Thr (NM_001324468.2); short protein forms M376T, M297T, M402T, M441T, M446T, M485T, M396T, M420T.
Identifiers: ClinVar variation 773599 (VCV000773599.39), dbSNP rs149870655, ClinGen allele CA8939936.

ClinVar aggregate classification (germline): Likely benign. Review status: criteria provided, multiple submitters, no conflicts (2 of 4 stars). 3 submissions from 3 submitters: Likely benign (2). 1 of the submissions does not count toward it. Last evaluated 2026-09-01.

Conditions:
ELP2-related disorder. Also called: ELP2-Related Disorders; ELP2-related condition.

Allele frequency attached by ClinVar (database versions not stated): 1000 Genomes Project 0.00060; 1000 Genomes Project 30x 0.00062; TOPMed 0.00430; gnomAD 0.00479 and 0.00491; gnomAD exomes 0.00501 and 0.00715; ExAC 0.00565; ESP Exome Variant Server 0.00615.
gnomAD v4.1: 11,059 of 1,614,176 alleles (0.69%); highest among the groups gnomAD compares: Non-Finnish European, 0.83%; 51 homozygotes.

Submissions (3):

CeGaT Center for Human Genetics Tuebingen
Classification: Likely benign. Last evaluated: 2026-09-01. Review status: criteria provided, single submitter. Criteria: CeGaT Center For Human Genetics Tuebingen Variant Classification Criteria Version 2. Collection method: clinical testing. Allele origin: germline. Affected: yes. Observed: 25 variant alleles.
Comment: ELP2: BS2

Labcorp Genetics (formerly Invitae), Labcorp
Classification: Likely benign. Last evaluated: 2019-12-31. Review status: criteria provided, single submitter. Criteria: Invitae Variant Classification Sherloc (09022015). Collection method: clinical testing. Allele origin: germline.

PreventionGenetics, part of Exact Sciences
Classification: Benign for ELP2-related condition. Last evaluated: 2020-04-29. Review status: no assertion criteria provided. Collection method: clinical testing. Allele origin: germline. Not counted in ClinVar's aggregate classification.
Comment: This variant is classified as benign based on ACMG/AMP sequence variant interpretation guidelines (Richards et al. 2015 PMID: 25741868, with internal and published modifications).